The following is an entry in ClinVar:

ClinVar aggregate classification (germline): Uncertain significance (1 of 4 stars; one submission).

Submission:

CeGaT Center for Human Genetics Tuebingen
Classification: Uncertain significance. Last evaluated: 2025-01-01. Review status: criteria provided, single submitter. Criteria: CeGaT Center For Human Genetics Tuebingen Variant Classification Criteria Version 2. Collection method: clinical testing. Allele origin: germline. Affected: yes. Observed: 1 variant allele.
Comment: SPTAN1: PM2, PP2, PP3

NM_001130438.3(SPTAN1):c.5032T>G (p.Trp1678Gly)

Gene: SPTAN1 (spectrin alpha, non-erythrocytic 1; plus strand). Cytogenetic location: 9q34.11.
Variant type: single nucleotide variant.
Coding change: c.5032T>G on transcript NM_001130438.3 (MANE Select); coding-DNA position 5032, T replaced by G.
Protein change: p.Trp1678Gly; replaces tryptophan 1678 with glycine.
Molecular consequence: missense variant.
Genome position (GRCh38, 1-based): chr9:128,612,235, T>G. VCF-style: chr9-128612235-T-G. GRCh37 (hg19) VCF-style: chr9-131374514-T-G.
Other names: c.4957T>G, p.Trp1653Gly (NM_001195532.2); c.5032T>G, p.Trp1678Gly (NM_001363759.2, NM_001375310.1, NM_001375311.2 and 1 more transcripts); c.4972T>G, p.Trp1658Gly (NM_001363765.2, NM_001375314.2); c.5068T>G, p.Trp1690Gly (NM_001375312.2, NM_001375318.1); c.5017T>G, p.Trp1673Gly (NM_003127.4); short protein forms W1653G, W1658G, W1673G, W1678G, W1690G.
Identifiers: ClinVar variation 3772316 (VCV003772316.13).